The following is an entry in ClinVar:

ClinVar aggregate classification (germline): Uncertain significance (1 of 4 stars; one submission).

Conditions:
Paroxysmal nonkinesigenic dyskinesia. Also called: Paroxysmal non-kinesigenic dyskinesia. Identifiers: Orphanet 98810, MedGen C1869117, MONDO:0700088.

Allele frequency attached by ClinVar (database versions not stated): gnomAD exomes below 0.00001; gnomAD 0.00001; TOPMed 0.00001.
gnomAD v4.1: 2 of 1,612,604 alleles (0.00012%); highest among the groups gnomAD compares: Non-Finnish European, 0.000085%; no homozygotes.

Submission:

Labcorp Genetics (formerly Invitae), Labcorp
Classification: Uncertain significance for Paroxysmal nonkinesigenic dyskinesia. Last evaluated: 2022-07-05. Review status: criteria provided, single submitter. Criteria: Invitae Variant Classification Sherloc (09022015). Collection method: clinical testing. Allele origin: germline.
Comment: In summary, the available evidence is currently insufficient to determine the role of this variant in disease. Therefore, it has been classified as a Variant of Uncertain Significance. Algorithms developed to predict the effect of missense changes on protein structure and function are either unavailable or do not agree on the potential impact of this missense change (SIFT: "Deleterious"; PolyPhen-2: "Possibly Damaging"; Align-GVGD: "Class C0"). ClinVar contains an entry for this variant (Variation ID: 837794). This variant has not been reported in the literature in individuals affected with PNKD-related conditions. The frequency data for this variant in the population databases is considered unreliable, as metrics indicate poor data quality at this position in the gnomAD database. This sequence change replaces arginine, which is basic and polar, with cysteine, which is neutral and slightly polar, at codon 103 of the PNKD protein (p.Arg103Cys).

NM_015488.5(PNKD):c.307C>T (p.Arg103Cys)

Genes: CATIP-AS2 (CATIP antisense RNA 2; minus strand), PNKD (PNKD metallo-beta-lactamase domain containing; plus strand). Cytogenetic location: 2q35.
Variant type: single nucleotide variant.
Coding change: c.307C>T on transcript NM_015488.5 (MANE Select); coding-DNA position 307, C replaced by T.
Protein change: p.Arg103Cys; replaces arginine 103 with cysteine.
Molecular consequence: missense variant.
Genome position (GRCh38, 1-based): chr2:218,339,853, C>T. VCF-style: chr2-218339853-C-T. GRCh37 (hg19) VCF-style: chr2-219204576-C-T.
Other names: c.235C>T, p.Arg79Cys (NM_022572.5); short protein forms R103C, R79C.
Identifiers: ClinVar variation 837794 (VCV000837794.9), dbSNP rs1157911601, ClinGen allele CA350538209.
Genomic context (GRCh38, chr2:218,339,853, plus strand): 5'-TACACCCGCACCTGGCTCGGGTACCTCTTCTACCGACAGCAGCTGCGCAGGGCTCGGAAT[C>T]GCTACCCTAAAGGCCACTCGAAAACCCAGCCCCGCCTCTTCAATGGTGAGCTCTGACTGC-3'
Protein context (NP_056303.3, residues 93-113): YRQQLRRARN[Arg103Cys]YPKGHSKTQP